The following is an entry in ClinVar:

ClinVar aggregate classification (germline): Likely benign. Review status: criteria provided, multiple submitters, no conflicts (2 of 4 stars). 3 submissions from 3 submitters: Likely benign (2). 1 of the submissions does not count toward it. Last evaluated 2026-04-01.

Conditions:
COL4A5-related disorder. Also called: COL4A5-related condition.
X-linked Alport syndrome (ATS1). Also called: COL4A5-Related Nephropathy; NEPHROPATHY AND DEAFNESS, X-LINKED. Identifiers: Orphanet 63, Orphanet 88917, MedGen C4746986, MONDO:0010520, OMIM 301050.

Allele frequency attached by ClinVar (database versions not stated): gnomAD exomes 0.00003 and 0.00013; ExAC 0.00008; ESP Exome Variant Server 0.00009; gnomAD 0.00009 and 0.00010; TOPMed 0.00011.
gnomAD v4.1: 153 of 1,191,291 alleles (0.013%); highest among the groups gnomAD compares: Non-Finnish European, 0.016%; no homozygotes.

Submissions (3):

PreventionGenetics, part of Exact Sciences
Classification: Likely benign for COL4A5-related condition. Last evaluated: 2026-04-01. Review status: criteria provided, single submitter. Criteria: ACMG Guidelines, 2015. Collection method: clinical testing. Allele origin: germline.
Comment: This variant is classified as likely benign based on ACMG/AMP sequence variant interpretation guidelines (Richards et al. 2015 PMID: 25741868, with internal and published modifications).

Labcorp Genetics (formerly Invitae), Labcorp
Classification: Likely benign. Last evaluated: 2025-11-19. Review status: criteria provided, single submitter. Criteria: Invitae Variant Classification Sherloc (09022015). Collection method: clinical testing. Allele origin: germline.

Natera, Inc.
Classification: Likely benign for X-linked Alport syndrome. Last evaluated: 2020-05-15. Review status: no assertion criteria provided. Collection method: clinical testing. Allele origin: germline. Not counted in ClinVar's aggregate classification.

NM_033380.3(COL4A5):c.568A>G (p.Ile190Val)

Gene: COL4A5 (collagen type IV alpha 5 chain; plus strand). Cytogenetic location: Xq22.3.
Variant type: single nucleotide variant.
Coding change: c.568A>G on transcript NM_033380.3 (MANE Select); coding-DNA position 568, A replaced by G.
Protein change: p.Ile190Val; replaces isoleucine 190 with valine.
Molecular consequence: missense variant.
Genome position (GRCh38, 1-based): chrX:108,575,931, A>G. VCF-style: chrX-108575931-A-G. GRCh37 (hg19) VCF-style: chrX-107819161-A-G.
Other names: c.568A>G, p.Ile190Val (NM_000495.5); c.568A>G (NM_000495.4); short protein forms I190V.
Identifiers: ClinVar variation 1095046 (VCV001095046.11), dbSNP rs367890539, ClinGen allele CA10488510.